The following is an entry in ClinVar:

NM_004260.4(RECQL4):c.2148C>T (p.Ile716=)

Gene: RECQL4 (RecQ like helicase 4; minus strand). Cytogenetic location: 8q24.3.
Variant type: single nucleotide variant.
Coding change: c.2148C>T on transcript NM_004260.4 (MANE Select); coding-DNA position 2148, C replaced by T.
Protein change: p.Ile716=; no amino-acid change (isoleucine 716 retained).
Molecular consequence: synonymous variant.
Genome position (GRCh38, 1-based): chr8:144,513,623, G>A on the plus strand (C>T on the coding strand, the complement: RECQL4 is on the minus strand). VCF-style: chr8-144513623-G-A. GRCh37 (hg19) VCF-style: chr8-145739007-G-A.
Identifiers: ClinVar variation 529054 (VCV000529054.47), dbSNP rs772168426, ClinGen allele CA4948445.

ClinVar aggregate classification (germline): Likely benign. Review status: criteria provided, multiple submitters, no conflicts (2 of 4 stars). 5 submissions from 5 submitters: Likely benign (5). Last evaluated 2025-11-10.

Conditions:
RECQL4-related disorder. Also called: RECQL4-related condition; RECQL4-related disorders.
Inborn genetic diseases. Identifiers: MedGen C0950123, MeSH D030342.
Baller-Gerold syndrome (BGS). Also called: CRANIOSYNOSTOSIS WITH RADIAL DEFECTS. Identifiers: Orphanet 1225, MedGen C0265308, MONDO:0009039, OMIM 218600.

Allele frequency attached by ClinVar (database versions not stated): TOPMed 0.00004.
gnomAD v4.1: 39 of 1,601,148 alleles (0.0024%); highest among the groups gnomAD compares: East Asian, 0.032%; no homozygotes.

Submissions (5):

Labcorp Genetics (formerly Invitae), Labcorp
Classification: Likely benign for Baller-Gerold syndrome. Last evaluated: 2025-11-10. Review status: criteria provided, single submitter. Criteria: Invitae Variant Classification Sherloc (09022015). Collection method: clinical testing. Allele origin: germline.

PreventionGenetics, part of Exact Sciences
Classification: Likely benign for RECQL4-related condition. Last evaluated: 2025-05-28. Review status: criteria provided, single submitter. Criteria: ACMG Guidelines, 2015. Collection method: clinical testing. Allele origin: germline.
Comment: This variant is classified as likely benign based on ACMG/AMP sequence variant interpretation guidelines (Richards et al. 2015 PMID: 25741868, with internal and published modifications).

Ambry Genetics
Classification: Likely benign for Inborn genetic diseases. Last evaluated: 2024-11-18. Review status: criteria provided, single submitter. Criteria: Ambry Variant Classification Scheme 2023. Collection method: clinical testing. Allele origin: germline.

Blueprint Genetics
Classification: Likely benign. Last evaluated: 2024-06-13. Review status: criteria provided, single submitter. Criteria: ACMG Guidelines, 2015. Collection method: clinical testing. Allele origin: germline.

CeGaT Center for Human Genetics Tuebingen
Classification: Likely benign. Last evaluated: 2024-01-01. Review status: criteria provided, single submitter. Criteria: CeGaT Center For Human Genetics Tuebingen Variant Classification Criteria Version 2. Collection method: clinical testing. Allele origin: germline. Affected: yes. Observed: 2 variant alleles.
Comment: RECQL4: BP4, BP7